The following is an entry in ClinVar:

NM_004287.5(GOSR2):c.619G>A (p.Val207Met)

Genes: GOSR2 (golgi SNAP receptor complex member 2; plus strand), LRRC37A2 (leucine rich repeat containing 37 member A2). Cytogenetic location: 17q21.32.
Variant type: single nucleotide variant.
Coding change: c.619G>A on transcript NM_004287.5 (MANE Select); coding-DNA position 619, G replaced by A.
Protein change: p.Val207Met; replaces valine 207 with methionine.
Molecular consequence: missense variant. On other transcripts: intron variant (3).
Genome position (GRCh38, 1-based): chr17:46,938,740, G>A. VCF-style: chr17-46938740-G-A. GRCh37 (hg19) VCF-style: chr17-45016106-G-A.
Other names: c.424G>A, p.Val142Met (NM_001321134.2); c.478G>A, p.Val160Met (NM_001330252.2); c.616G>A, p.Val206Met (NM_001353114.2); c.475G>A, p.Val159Met (NM_001353115.2); c.565G>A, p.Val189Met (NM_001363851.2); c.583+36G>A (NM_001321133.2, NM_054022.4); c.439+36G>A (NM_001353116.2); short protein forms V207M, V142M, V160M, V159M, V189M, V206M.
Identifiers: ClinVar variation 531809 (VCV000531809.6), dbSNP rs780839289, ClinGen allele CA8621364.

ClinVar aggregate classification (germline): Uncertain significance (1 of 4 stars; one submission).

Conditions:
Progressive myoclonic epilepsy. Also called: Myoclonic Epilepsies, Progressive; Myoclonus epilepsy; Familial progressive myoclonic epilepsy; Progressive myoclonus epilepsy. Identifiers: Orphanet 308, Orphanet 98261, MedGen C0751778, MONDO:0020074.

Allele frequency attached by ClinVar (database versions not stated): TOPMed 0.00002; gnomAD 0.00003.
gnomAD v4.1: 17 of 1,613,824 alleles (0.0011%); highest among the groups gnomAD compares: East Asian, 0.013%; no homozygotes.

Submission:

Labcorp Genetics (formerly Invitae), Labcorp
Classification: Uncertain significance for Progressive myoclonic epilepsy. Last evaluated: 2022-11-01. Review status: criteria provided, single submitter. Criteria: Invitae Variant Classification Sherloc (09022015). Collection method: clinical testing. Allele origin: germline.
Comment: This sequence change replaces valine, which is neutral and non-polar, with methionine, which is neutral and non-polar, at codon 207 of the GOSR2 protein (p.Val207Met). This variant is present in population databases (rs780839289, gnomAD 0.02%). This variant has not been reported in the literature in individuals affected with GOSR2-related conditions. ClinVar contains an entry for this variant (Variation ID: 531809). Algorithms developed to predict the effect of missense changes on protein structure and function are either unavailable or do not agree on the potential impact of this missense change (SIFT: "Tolerated"; PolyPhen-2: "Possibly Damaging"; Align-GVGD: "Class C0"). In summary, the available evidence is currently insufficient to determine the role of this variant in disease. Therefore, it has been classified as a Variant of Uncertain Significance.